The following is an entry in ClinVar:

ClinVar aggregate classification (germline): Benign. Review status: criteria provided, multiple submitters, no conflicts (2 of 4 stars). 2 submissions from 2 submitters: Benign (2). Last evaluated 2018-01-13.

Conditions:
Dilated cardiomyopathy 1W (CMD1W). Identifiers: Orphanet 154, MedGen C1969639, MONDO:0012667, OMIM 611407.

Allele frequency attached by ClinVar (database versions not stated): 1000 Genomes Project 0.18351; 1000 Genomes Project 30x 0.18645; TOPMed 0.19526; gnomAD 0.20084; gnomAD exomes 0.21739.
gnomAD v4.1: 27,616 of 141,458 alleles (20%); highest among the groups gnomAD compares: African/African-American, 34%; 3,154 homozygotes.

Submissions (2):

Illumina Laboratory Services, Illumina
Classification: Benign for Dilated cardiomyopathy 1W. Last evaluated: 2018-01-13. Review status: criteria provided, single submitter. Criteria: ICSL Variant Classification Criteria 13 December 2019. Collection method: clinical testing. Allele origin: germline.
Comment: This variant was observed in the ICSL laboratory as part of a predisposition screen in an ostensibly healthy population. It had not been previously curated by ICSL or reported in the Human Gene Mutation Database (HGMD: prior to June 1st, 2018), and was therefore a candidate for classification through an automated scoring system. Utilizing variant allele frequency, disease prevalence and penetrance estimates, and inheritance mode, an automated score was calculated to assess if this variant is too frequent to cause the disease. Based on the score and internal cut-off values, a variant classified as benign is not then subjected to further curation. The score for this variant resulted in a classification of benign for this disease.

Breakthrough Genomics
Classification: Benign. Review status: criteria provided, single submitter. Criteria: ACMG Guidelines, 2015. Collection method: not provided. Allele origin: germline. Inheritance: Autosomal dominant inheritance. Affected: yes.

NM_014000.3(VCL):c.*1823G>A

Gene: VCL (vinculin; plus strand). Cytogenetic location: 10q22.2.
Variant type: single nucleotide variant.
Coding change: c.*1823G>A on transcript NM_014000.3 (MANE Select); 1823 bases downstream of the stop codon, G replaced by A.
Molecular consequence: 3 prime UTR variant.
Genome position (GRCh38, 1-based): chr10:74,119,992, G>A. VCF-style: chr10-74119992-G-A. GRCh37 (hg19) VCF-style: chr10-75879750-G-A.
Other names: c.*1823G>A (NM_003373.4).
Identifiers: ClinVar variation 300821 (VCV000300821.6), dbSNP rs8255, ClinGen allele CA10632257.